The following is an entry in ClinVar:

NM_001792.5(CDH2):c.37C>T (p.Pro13Ser)

Gene: CDH2 (cadherin 2; minus strand). Cytogenetic location: 18q12.1.
Variant type: single nucleotide variant.
Coding change: c.37C>T on transcript NM_001792.5 (MANE Select); coding-DNA position 37, C replaced by T.
Protein change: p.Pro13Ser; replaces proline 13 with serine.
Molecular consequence: missense variant.
Genome position (GRCh38, 1-based): chr18:28,176,986, G>A on the plus strand (C>T on the coding strand, the complement: CDH2 is on the minus strand). VCF-style: chr18-28176986-G-A. GRCh37 (hg19) VCF-style: chr18-25756950-G-A.
Other names: short protein forms P13S.
Identifiers: ClinVar variation 1495457 (VCV001495457.9), dbSNP rs1420154381, ClinGen allele CA402245096.

ClinVar aggregate classification (germline): Uncertain significance. Review status: criteria provided, multiple submitters, no conflicts (2 of 4 stars). 2 submissions from 2 submitters: Uncertain significance (2). Last evaluated 2025-09-19.

Conditions:
Inborn genetic diseases. Identifiers: MedGen C0950123, MeSH D030342.

Allele frequency attached by ClinVar (database versions not stated): TOPMed below 0.00001; gnomAD 0.00001; gnomAD exomes 0.00001.
gnomAD v4.1: 9 of 1,455,386 alleles (0.00062%); highest among the groups gnomAD compares: Non-Finnish European, 0.00082%; no homozygotes.

Submissions (2):

Labcorp Genetics (formerly Invitae), Labcorp
Classification: Uncertain significance. Last evaluated: 2025-09-19. Review status: criteria provided, single submitter. Criteria: Invitae Variant Classification Sherloc (09022015). Collection method: clinical testing. Allele origin: germline.
Comment: This sequence change replaces proline, which is neutral and non-polar, with serine, which is neutral and polar, at codon 13 of the CDH2 protein (p.Pro13Ser). The frequency data for this variant in the population databases is considered unreliable, as metrics indicate poor data quality at this position in the gnomAD database. This variant has not been reported in the literature in individuals affected with CDH2-related conditions. ClinVar contains an entry for this variant (Variation ID: 1495457). An algorithm developed to predict the effect of missense changes on protein structure and function (PolyPhen-2) suggests that this variant is likely to be tolerated. In summary, the available evidence is currently insufficient to determine the role of this variant in disease. Therefore, it has been classified as a Variant of Uncertain Significance.

Ambry Genetics
Classification: Uncertain significance for Inborn genetic diseases. Last evaluated: 2024-06-16. Review status: criteria provided, single submitter. Criteria: Ambry Variant Classification Scheme 2023. Collection method: clinical testing. Allele origin: germline.